The following is an entry in ClinVar:

ClinVar aggregate classification (germline): Uncertain significance (1 of 4 stars; one submission).

Allele frequency attached by ClinVar (database versions not stated): ExAC 0.00001.

Submission:

Labcorp Genetics (formerly Invitae), Labcorp
Classification: Uncertain significance. Last evaluated: 2023-03-12. Review status: criteria provided, single submitter. Criteria: Invitae Variant Classification Sherloc (09022015). Collection method: clinical testing. Allele origin: germline.
Comment: In summary, the available evidence is currently insufficient to determine the role of this variant in disease. Therefore, it has been classified as a Variant of Uncertain Significance. Advanced modeling of protein sequence and biophysical properties (such as structural, functional, and spatial information, amino acid conservation, physicochemical variation, residue mobility, and thermodynamic stability) performed at Invitae indicates that this missense variant is not expected to disrupt COL11A2 protein function. ClinVar contains an entry for this variant (Variation ID: 2192526). This variant has not been reported in the literature in individuals affected with COL11A2-related conditions. This variant is present in population databases (rs776870776, gnomAD 0.0009%). This sequence change replaces proline, which is neutral and non-polar, with serine, which is neutral and polar, at codon 400 of the COL11A2 protein (p.Pro400Ser).

NM_080680.3(COL11A2):c.1198C>T (p.Pro400Ser)

Gene: COL11A2 (collagen type XI alpha 2 chain; minus strand). Cytogenetic location: 6p21.32.
Variant type: single nucleotide variant.
Coding change: c.1198C>T on transcript NM_080680.3 (MANE Select); coding-DNA position 1198, C replaced by T.
Protein change: p.Pro400Ser; replaces proline 400 with serine.
Molecular consequence: missense variant.
Genome position (GRCh38, 1-based): chr6:33,180,987, G>A on the plus strand (C>T on the coding strand, the complement: COL11A2 is on the minus strand). VCF-style: chr6-33180987-G-A. GRCh37 (hg19) VCF-style: chr6-33148764-G-A.
Other names: c.877C>T, p.Pro293Ser (NM_080679.3); c.940C>T, p.Pro314Ser (NM_080681.3); short protein forms P293S, P314S, P400S.
Identifiers: ClinVar variation 2192526 (VCV002192526.2), dbSNP rs776870776, ClinGen allele CA3751428.